The following is an entry in ClinVar:

ClinVar aggregate classification (germline): Conflicting classifications of pathogenicity. Review status: criteria provided, conflicting classifications (1 of 4 stars). 2 submissions from 2 submitters: Uncertain significance (1); Likely benign (1). Last evaluated 2025-06-23.

Conditions:
TRPC6-related disorder. Also called: TRPC6-related condition.
Kidney disorder. Also called: renal disease; Nephropathy; renal disorder; Kidney disease; Kidney Diseases. Identifiers: MedGen C0022658, MONDO:0005240, HP:0000112.

Allele frequency attached by ClinVar (database versions not stated): TOPMed 0.00002; gnomAD 0.00007; gnomAD exomes 0.00009; ExAC 0.00019; 1000 Genomes Project 30x 0.00031; 1000 Genomes Project 0.00040.
gnomAD v4.1: 137 of 1,595,212 alleles (0.0086%); highest among the groups gnomAD compares: South Asian, 0.15%; 2 homozygotes.

Submissions (2):

PreventionGenetics, part of Exact Sciences
Classification: Likely benign for TRPC6-related condition. Last evaluated: 2025-06-23. Review status: criteria provided, single submitter. Criteria: ACMG Guidelines, 2015. Collection method: clinical testing. Allele origin: germline.
Comment: This variant is classified as likely benign based on ACMG/AMP sequence variant interpretation guidelines (Richards et al. 2015 PMID: 25741868, with internal and published modifications).

Genome Diagnostics Laboratory, The Hospital for Sick Children
Classification: Uncertain significance for Kidney disorder. Last evaluated: 2016-12-12. Review status: criteria provided, single submitter. Criteria: ACMG Guidelines, 2015. Collection method: clinical testing. Allele origin: germline.

NM_004621.6(TRPC6):c.258C>T (p.Tyr86=)

Gene: TRPC6 (transient receptor potential cation channel subfamily C member 6; minus strand). Cytogenetic location: 11q22.1.
Variant type: single nucleotide variant.
Coding change: c.258C>T on transcript NM_004621.6 (MANE Select); coding-DNA position 258, C replaced by T.
Protein change: p.Tyr86=; no amino-acid change (tyrosine 86 retained).
Molecular consequence: synonymous variant.
Genome position (GRCh38, 1-based): chr11:101,504,711, G>A on the plus strand (C>T on the coding strand, the complement: TRPC6 is on the minus strand). VCF-style: chr11-101504711-G-A. GRCh37 (hg19) VCF-style: chr11-101375442-G-A.
Identifiers: ClinVar variation 1712421 (VCV001712421.3), dbSNP rs200806868, ClinGen allele CA6244559.
Genomic context (GRCh38, chr11:101,504,711, plus strand): 5'-AGCTGCATCCAAAAAGCGTTCCTCCTCTATAGATAGGCTTGTGGAGCGATCACTAAACAT[G>A]TATGCTGGTCCTCGATTAGCTAACCTTCTCCCCTTCTCACGGAGAACTGTCTGCCGCCGG-3'
Protein context (NP_004612.2, residues 76-96): GRRLANRGPA[Tyr86=]MFSDRSTSLS